The following is an entry in ClinVar:

NM_000090.4(COL3A1):c.3321A>G (p.Gly1107=)

Gene: COL3A1 (collagen type III alpha 1 chain; plus strand). Cytogenetic location: 2q32.2.
Variant type: single nucleotide variant.
Coding change: c.3321A>G on transcript NM_000090.4 (MANE Select); coding-DNA position 3321, A replaced by G.
Protein change: p.Gly1107=; no amino-acid change (glycine 1107 retained).
Molecular consequence: synonymous variant.
Genome position (GRCh38, 1-based): chr2:189,007,565, A>G. VCF-style: chr2-189007565-A-G. GRCh37 (hg19) VCF-style: chr2-189872291-A-G.
Identifiers: ClinVar variation 922896 (VCV000922896.9), dbSNP rs1364238191, ClinGen allele CA430313310.
Genomic context (GRCh38, chr2:189,007,565, plus strand): 5'-TCAAGGCCCACGTGGTGACAAAGGTGAAACAGGTGAACGTGGAGCTGCTGGCATCAAAGG[A>G]CATCGAGGATTCCCTGGTAATCCAGGTGCCCCAGGTTCTCCAGTAAGTGCATTCATTTTG-3'
Protein context (NP_000081.2, residues 1097-1117): TGERGAAGIK[Gly1107=]HRGFPGNPGA

ClinVar aggregate classification (germline): Likely benign. Review status: criteria provided, multiple submitters, no conflicts (2 of 4 stars). 4 submissions from 4 submitters: Likely benign (4). Last evaluated 2023-10-17.

Conditions:
Ehlers-Danlos syndrome, type 4 (EDSVASC). Also called: Ehlers-Danlos Syndrome Type IV; Ehlers-Danlos syndrome vascular type; Ehlers Danlos syndrome, ecchymotic type; Ehlers Danlos syndrome, arterial type; Ehlers Danlos syndrome, Sack-Barabas type. Identifiers: Orphanet 286, MedGen C0268338, MONDO:0017314, OMIM 130050.
Familial thoracic aortic aneurysm and aortic dissection (TAAD). Also called: Thoracic aortic aneurysms and dissections. Identifiers: Orphanet 91387, MedGen C4707243, MONDO:0019625.

Allele frequency attached by ClinVar (database versions not stated): TOPMed below 0.00001; gnomAD exomes 0.00001.
gnomAD v4.1: 4 of 1,613,788 alleles (0.00025%); highest among the groups gnomAD compares: Non-Finnish European, 0.00025%; no homozygotes.

Submissions (4):

Labcorp Genetics (formerly Invitae), Labcorp
Classification: Likely benign for Ehlers-Danlos syndrome, type 4. Last evaluated: 2023-10-17. Review status: criteria provided, single submitter. Criteria: Invitae Variant Classification Sherloc (09022015). Collection method: clinical testing. Allele origin: germline.

All of Us Research Program, National Institutes of Health
Classification: Likely benign for Ehlers-Danlos syndrome, type 4. Last evaluated: 2023-02-10. Review status: criteria provided, single submitter. Criteria: ACMG Guidelines, 2015. Collection method: clinical testing. Allele origin: germline. Inheritance: Autosomal dominant inheritance. Observed: 1 variant allele, 1 heterozygote.
Comment: This study involves interpretation of variants in research participants for the purpose of population health screening. Participant phenotype was not available at the time of variant classification. Additional details can be found in publication PMID: 35346344, PMCID: PMC8962531

Blueprint Genetics
Classification: Likely benign. Last evaluated: 2020-11-18. Review status: criteria provided, single submitter. Criteria: ACMG Guidelines, 2015. Collection method: clinical testing. Allele origin: germline.

Color Diagnostics, LLC DBA Color Health
Classification: Likely benign for Familial thoracic aortic aneurysm and aortic dissection. Last evaluated: 2020-03-02. Review status: criteria provided, single submitter. Criteria: ACMG Guidelines, 2015. Collection method: clinical testing. Allele origin: germline.